The following is an entry in ClinVar:

ClinVar aggregate classification (germline): Pathogenic (1 of 4 stars; one submission).

Conditions:
Phelan-McDermid syndrome. Also called: TELOMERIC 22q13 MONOSOMY SYNDROME; 22q13.3 deletion syndrome; Phelan-McDermid Syndrome-SHANK3 Related. Identifiers: Orphanet 48652, MedGen C1853490, MONDO:0011652, OMIM 606232.

Submission:

Centre for Human Genetics, University of Kinshasa
Classification: Pathogenic for Phelan-McDermid syndrome. Review status: criteria provided, single submitter. Criteria: ACMG Guidelines, 2015. Collection method: research. Allele origin: de novo. Inheritance: Autosomal dominant inheritance. Affected: yes.
Comment: This variant is in SHANK3 and associated with Phelan-McDermid. The variant occured de novo, with confirmed parentage. The variant is predicted to cause framshift and create a premature stop codon in a gene in which LoF is a known mechanism of pathogenicity for the condition. The variant is absent from gnomAD and ClinVar. We classified this variant as Pathogenic based on the following items PVS1, PS2, PM2. The posterior probability score of pathogenicity of 1.000

Literature cited by the submitters: PubMed 29300386.

NM_001372044.2(SHANK3):c.4289dup (p.Gly1431fs)

Gene: SHANK3 (SH3 and multiple ankyrin repeat domains 3; plus strand). Cytogenetic location: 22q13.33.
Variant type: Duplication.
Coding change: c.4289dup on transcript NM_001372044.2 (MANE Select); coding-DNA position 4289, one base duplicated (C; older notation c.4289dupC).
Protein change: p.Gly1431fs; shifts the reading frame from glycine 1431.
Molecular consequence: frameshift variant.
Genome position (GRCh38, 1-based): chr22:50,721,897, C duplicated. VCF-style (leftmost placement, unchanged base first): chr22-50721896-T-TC. GRCh37 (hg19) VCF-style: chr22-51160324-T-TC.
Other names: c.4289dupC (NM_001372044.2); short protein forms G1431fs.
Identifiers: ClinVar variation 4077418 (VCV004077418.1).